The following is an entry in ClinVar:

ClinVar aggregate classification (germline): Uncertain significance (1 of 4 stars; one submission).

Conditions:
Cardiovascular phenotype. Identifiers: MedGen CN230736.

Submission:

Ambry Genetics
Classification: Uncertain significance for Cardiovascular phenotype. Last evaluated: 2021-09-21. Review status: criteria provided, single submitter. Criteria: Ambry Variant Classification Scheme 2023. Collection method: clinical testing. Allele origin: germline.
Comment: The p.I784F variant (also known as c.2350A>T), located in coding exon 19 of the MYH7 gene, results from an A to T substitution at nucleotide position 2350. The isoleucine at codon 784 is replaced by phenylalanine, an amino acid with highly similar properties. This alteration is located in the myosin head domain, which contains a statistically significant clustering of pathogenic missense variants (Homburger JR et al. Proc Natl Acad Sci U S A, 2016 06;113:6701-6; Walsh R et al. Genet Med, 2017 02;19:192-203; Ambry internal data). This amino acid position is well conserved in available vertebrate species. In addition, the in silico prediction for this alteration is inconclusive. Since supporting evidence is limited at this time, the clinical significance of this alteration remains unclear.

NM_000257.4(MYH7):c.2350A>T (p.Ile784Phe)

Genes: MYH7 (myosin heavy chain 7; minus strand), LOC126861898 (BRD4-independent group 4 enhancer GRCh37_chr14:23893609-23894808; plus strand). Cytogenetic location: 14q11.2.
Variant type: single nucleotide variant.
Coding change: c.2350A>T on transcript NM_000257.4 (MANE Select); coding-DNA position 2350, A replaced by T.
Protein change: p.Ile784Phe; replaces isoleucine 784 with phenylalanine.
Molecular consequence: missense variant.
Genome position (GRCh38, 1-based): chr14:23,425,355, T>A on the plus strand (A>T on the coding strand, the complement: MYH7 is on the minus strand). VCF-style: chr14-23425355-T-A. GRCh37 (hg19) VCF-style: chr14-23894564-T-A.
Other names: c.2350A>T, p.Ile784Phe (NM_001407004.1); short protein forms I784F.
Identifiers: ClinVar variation 1789999 (VCV001789999.2), dbSNP rs2502286007, ClinGen allele CA389048598.